The following is an entry in ClinVar:

NM_018646.6(TRPV6):c.2031A>C (p.Gln677His)

Gene: TRPV6 (transient receptor potential cation channel subfamily V member 6; minus strand). Cytogenetic location: 7q34.
Variant type: single nucleotide variant.
Coding change: c.2031A>C on transcript NM_018646.6 (MANE Select); coding-DNA position 2031, A replaced by C.
Protein change: p.Gln677His; replaces glutamine 677 with histidine.
Molecular consequence: missense variant.
Genome position (GRCh38, 1-based): chr7:142,871,974, T>G on the plus strand (A>C on the coding strand, the complement: TRPV6 is on the minus strand). VCF-style: chr7-142871974-T-G. GRCh37 (hg19) VCF-style: chr7-142569727-T-G.
Other names: short protein forms Q677H.
Identifiers: ClinVar variation 4774424 (VCV004774424.1).

ClinVar aggregate classification (germline): Uncertain significance (1 of 4 stars; one submission).

Submission:

Labcorp Genetics (formerly Invitae), Labcorp
Classification: Uncertain significance. Last evaluated: 2025-08-06. Review status: criteria provided, single submitter. Criteria: Invitae Variant Classification Sherloc (09022015). Collection method: clinical testing. Allele origin: germline.
Comment: This sequence change replaces glutamine, which is neutral and polar, with histidine, which is basic and polar, at codon 677 of the TRPV6 protein (p.Gln677His). This variant is not present in population databases (gnomAD no frequency). This variant has not been reported in the literature in individuals affected with TRPV6-related conditions. An algorithm developed to predict the effect of missense changes on protein structure and function outputs the following: PolyPhen-2: "Not Available". The histidine amino acid residue is found in multiple mammalian species, which suggests that this missense change does not adversely affect protein function. In summary, the available evidence is currently insufficient to determine the role of this variant in disease. Therefore, it has been classified as a Variant of Uncertain Significance.